The following is an entry in ClinVar:

NM_000238.4(KCNH2):c.3194_3330+68del

Gene: KCNH2 (potassium voltage-gated channel subfamily H member 2; minus strand). Cytogenetic location: 7q36.1.
Variant type: Deletion.
Coding change: c.3194_3330+68del on transcript NM_000238.4 (MANE Select); coding-DNA position 3194 through 68 bases into the intron after coding-DNA position 3330, 205 bases deleted.
Molecular consequence: splice donor variant.
Genome position (GRCh38, 1-based): chr7:150,946,809-150,947,013, 205 bases deleted. GRCh37 (hg19): chr7:150,643,902-150,644,106.
Other names: c.2906_3042+68del (NM_001406753.1); c.2174_2310+68del (NM_172057.3).
Identifiers: ClinVar variation 2758297 (VCV002758297.3), dbSNP rs2485999842, ClinGen allele CA2697557661.

ClinVar aggregate classification (germline): Pathogenic (1 of 4 stars; one submission).

Conditions:
Long QT syndrome (LQTS). Identifiers: MedGen C0023976, MeSH D008133, MONDO:0002442. Disease mechanism: loss of function. Inheritance: Various modes of inheritance.

Submission:

Labcorp Genetics (formerly Invitae), Labcorp
Classification: Pathogenic for Long QT syndrome. Last evaluated: 2023-10-12. Review status: criteria provided, single submitter. Criteria: Invitae Variant Classification Sherloc (09022015). Collection method: clinical testing. Allele origin: germline.
Comment: This variant results in the deletion of part of exon 14 (c.3194_3330+68del) of the KCNH2 gene. While this variant is not anticipated to result in nonsense mediated decay, it likely alters RNA splicing and results in a disrupted protein product. This variant is not present in population databases (gnomAD no frequency). This variant has not been reported in the literature in individuals affected with KCNH2-related conditions. Variants that disrupt the consensus splice site are a relatively common cause of aberrant splicing (PMID: 17576681, 9536098). This variant disrupts a region of the KCNH2 protein in which other variant(s) (p.Pro1086Alafs*33) have been determined to be pathogenic (PMID: 19716085, 19841300, 21483829; Invitae). This suggests that this is a clinically significant region of the protein, and that variants that disrupt it are likely to be disease-causing. For these reasons, this variant has been classified as Pathogenic.

Literature cited by the submitters: PubMed 17576681; PubMed 9536098; PubMed 19716085; PubMed 19841300; PubMed 21483829.